The following is an entry in ClinVar:

NM_001323289.2(CDKL5):c.404-1G>A

Gene: CDKL5 (cyclin dependent kinase like 5; plus strand). Cytogenetic location: Xp22.13.
Variant type: single nucleotide variant.
Coding change: c.404-1G>A on transcript NM_001323289.2 (MANE Select); the canonical splice acceptor site of the intron before coding-DNA position 404, G replaced by A.
Molecular consequence: splice acceptor variant.
Genome position (GRCh38, 1-based): chrX:18,581,890, G>A. VCF-style: chrX-18581890-G-A. GRCh37 (hg19) VCF-style: chrX-18600010-G-A.
Other names: c.404-1G>A (NM_003159.3, NM_001037343.2).
Identifiers: ClinVar variation 189589 (VCV000189589.4), dbSNP rs267608474, ClinGen allele CA199400.

ClinVar aggregate classification (germline): Pathogenic. Review status: criteria provided, multiple submitters, no conflicts (2 of 4 stars). 3 submissions from 3 submitters: Pathogenic (2). 1 of the submissions does not count toward it. Last evaluated 2024-10-04.

Conditions:
CDKL5 disorder. Identifiers: MedGen CN296942, MONDO:0100039.
Developmental and epileptic encephalopathy, 2 (DEE2). Also called: INFANTILE SPASM SYNDROME, X-LINKED 2; CDKL5 deficiency disorder. Identifiers: Orphanet 1934, Orphanet 3451, Orphanet 505652, MedGen C4750718, MONDO:0010396, OMIM 300672.
CDKL5-related disorder.

Submissions (3):

Blueprint Genetics
Classification: Pathogenic for CDKL5-related disorders. Last evaluated: 2024-10-04. Review status: criteria provided, single submitter. Criteria: ACMG Guidelines, 2015. Collection method: clinical testing. Allele origin: germline. Affected: yes. Observed: 1 variant allele.

Centre for Population Genomics, CPG
Classification: Pathogenic for CDKL5 disorder. Last evaluated: 2024-09-05. Review status: criteria provided, single submitter. Criteria: McKnight et al. (Hum Mutat. 2022). Collection method: curation. Allele origin: germline. Inheritance: X-linked inheritance.
Comment: This variant has been collected from RettBASE and curated to current modified ACMG/AMP criteria. Based on the classification scheme defined by the ClinGen Rett/Angelman-like Expert Panel for Rett/AS-like Disorders Specifications to the ACMG/AMP Variant Interpretation Guidelines VCEP 3.0, this variant is classified as pathogenic. At least the following criteria are met: Predicted to result in loss of function, and LOF is a known mechanism of disease (PVS1). The computational splicing predictor SpliceAI supports a splicing alteration (score of >0.2 - AL: 0.98, DL: 0.86) (PP3). This variant is absent from gnomAD (PM2_Supporting). Has been observed in at least 2 individuals with phenotypes consistent with CDKL5 disorder (PS4_Supporting, PMID: 16611748, PMID: 21309761).

RettBASE
Classification: Pathogenic for Epileptic encephalopathy, early infantile, 2. Last evaluated: 2014-03-13. Review status: no assertion criteria provided. Collection method: curation. Allele origin: unknown. Affected: yes. Observed: 1 variant allele. Not counted in ClinVar's aggregate classification.
Comment: Predicted to cause skipping of exon 7

Literature cited by the submitters: PubMed 21309761 (cited by RettBASE).